The following is an entry in ClinVar:

ClinVar aggregate classification (germline): Benign. Review status: criteria provided, single submitter (1 of 4 stars). 2 submissions from 2 submitters: Benign (1). 1 of the submissions does not count toward it. Last evaluated 2025-04-01.

Conditions:
Silver-Russell syndrome 1 (SRS1). Also called: Chromosome 7-Related Russell-Silver Syndrome. Identifiers: Orphanet 813, MedGen C5393125, MONDO:0020796, OMIM 180860.

Allele frequency attached by ClinVar (database versions not stated): 1000 Genomes Project 0.00040; gnomAD exomes 0.00048; ExAC 0.00050; gnomAD 0.00051 and 0.00052; TOPMed 0.00051; 1000 Genomes Project 30x 0.00062; ESP Exome Variant Server 0.00115.
gnomAD v4.1: 1,456 of 1,613,860 alleles (0.09%); highest among the groups gnomAD compares: Non-Finnish European, 0.12%; no homozygotes.

Submissions (2):

CeGaT Center for Human Genetics Tuebingen
Classification: Benign. Last evaluated: 2025-04-01. Review status: criteria provided, single submitter. Criteria: CeGaT Center For Human Genetics Tuebingen Variant Classification Criteria Version 2. Collection method: clinical testing. Allele origin: germline. Affected: yes. Observed: 3 variant alleles.
Comment: DLK1: BS1, BS2

Departement de Genetique, Biologie Moleculaire Endocrinienne, Assistance Publique–Hôpitaux de Paris, Hopital Trousseau
Classification: Uncertain significance for Silver-Russell syndrome 1. Last evaluated: 2021-04-15. Review status: no assertion criteria provided. Collection method: clinical testing. Allele origin: maternal. Inheritance: Autosomal dominant inheritance with maternal imprinting. Affected: yes. Observed: 1 variant allele, 1 heterozygote. Not counted in ClinVar's aggregate classification.
Comment: ). His65 is located within the second EGF-like motif of the extracellular domain of DLK1. As DLK1 is a maternally imprinted/paternally expressed gene, this variant is unlikely to explain the phenotype of the patient

NM_003836.7(DLK1):c.194A>G (p.His65Arg)

Gene: DLK1 (delta like non-canonical Notch ligand 1; plus strand). Cytogenetic location: 14q32.2.
Variant type: single nucleotide variant.
Coding change: c.194A>G on transcript NM_003836.7 (MANE Select); coding-DNA position 194, A replaced by G.
Protein change: p.His65Arg; replaces histidine 65 with arginine.
Molecular consequence: missense variant.
Genome position (GRCh38, 1-based): chr14:100,728,998, A>G. VCF-style: chr14-100728998-A-G. GRCh37 (hg19) VCF-style: chr14-101195335-A-G.
Other names: c.194A>G, p.His65Arg (NM_001317172.2); short protein forms H65R.
Identifiers: ClinVar variation 1064522 (VCV001064522.27), dbSNP rs147224004, ClinGen allele CA7346513.